The following is an entry in ClinVar:

ClinVar aggregate classification (germline): Uncertain significance. Review status: criteria provided, multiple submitters, no conflicts (2 of 4 stars). 2 submissions from 2 submitters: Uncertain significance (2). Last evaluated 2025-08-13.

Conditions:
Hereditary cancer-predisposing syndrome. Also called: Neoplastic Syndromes, Hereditary; Tumor predisposition; Hereditary Cancer Syndrome; Hereditary neoplastic syndrome. Identifiers: Orphanet 140162, MedGen C0027672, MeSH D009386, MONDO:0015356.
Rhabdoid tumor predisposition syndrome 2 (RTPS2). Identifiers: Orphanet 231108, Orphanet 69077, MedGen C2750074, MONDO:0013224, OMIM 613325.

Allele frequency attached by ClinVar (database versions not stated): gnomAD exomes below 0.00001.
gnomAD v4.1: 1 of 1,613,926 alleles (0.000062%); highest among the groups gnomAD compares: Non-Finnish European, 0.000085%; no homozygotes.

Submissions (2):

Labcorp Genetics (formerly Invitae), Labcorp
Classification: Uncertain significance for Rhabdoid tumor predisposition syndrome 2. Last evaluated: 2025-08-13. Review status: criteria provided, single submitter. Criteria: Invitae Variant Classification Sherloc (09022015). Collection method: clinical testing. Allele origin: germline.
Comment: This sequence change replaces glutamic acid, which is acidic and polar, with glycine, which is neutral and non-polar, at codon 1611 of the SMARCA4 protein (p.Glu1611Gly). This variant is not present in population databases (gnomAD no frequency). This variant has not been reported in the literature in individuals affected with SMARCA4-related conditions. ClinVar contains an entry for this variant (Variation ID: 484902). Invitae Evidence Modeling of protein sequence and biophysical properties (such as structural, functional, and spatial information, amino acid conservation, physicochemical variation, residue mobility, and thermodynamic stability) indicates that this missense variant is not expected to disrupt SMARCA4 protein function with a negative predictive value of 95%. In summary, the available evidence is currently insufficient to determine the role of this variant in disease. Therefore, it has been classified as a Variant of Uncertain Significance.

Ambry Genetics
Classification: Uncertain significance for Hereditary cancer-predisposing syndrome. Last evaluated: 2023-01-26. Review status: criteria provided, single submitter. Criteria: Ambry Variant Classification Scheme 2023. Collection method: clinical testing. Allele origin: germline.
Comment: The p.E1611G variant (also known as c.4832A>G), located in coding exon 33 of the SMARCA4 gene, results from an A to G substitution at nucleotide position 4832. The glutamic acid at codon 1611 is replaced by glycine, an amino acid with similar properties. This amino acid position is highly conserved in available vertebrate species. In addition, the in silico prediction for this alteration is inconclusive. Missense and in-frame variants in SMARCA4 are known to cause neurodevelopmental disorders; however, such associations with rhabdoid tumor predisposition syndrome including small cell carcinoma of the ovary-hypercalcemic type (SCCOHT) are exceedingly rare (Kosho T et al. Am J Med Genet C Semin Med Genet. 2014 Sep;166C(3):262-75; Jelinic P et al. Nat Genet. 2014 May;46(5):424-6). Based on the supporting evidence, the association of this alteration with Coffin-Siris syndrome is unknown; however, the association of this alteration with rhabdoid tumor predisposition syndrome is unlikely.

NM_003072.5(SMARCA4):c.4736A>G (p.Glu1579Gly)

Gene: SMARCA4 (SWI/SNF related BAF chromatin remodeling complex subunit ATPase 4; plus strand). Cytogenetic location: 19p13.2.
Variant type: single nucleotide variant.
Coding change: c.4736A>G on transcript NM_003072.5 (MANE Select); coding-DNA position 4736, A replaced by G.
Protein change: p.Glu1579Gly; replaces glutamic acid 1579 with glycine.
Molecular consequence: missense variant. On other transcripts: non-coding transcript variant (1).
Genome position (GRCh38, 1-based): chr19:11,059,853, A>G. VCF-style: chr19-11059853-A-G. GRCh37 (hg19) VCF-style: chr19-11170529-A-G.
Other names: c.4736A>G, p.Glu1579Gly (NM_001128844.3); c.4646A>G, p.Glu1549Gly (NM_001128845.2); c.4643A>G, p.Glu1548Gly (NM_001128846.2); c.4637A>G, p.Glu1546Gly (NM_001128847.4, NM_001374457.1); c.4634A>G, p.Glu1545Gly (NM_001128848.2); c.4832A>G, p.Glu1611Gly (NM_001128849.3, NM_001387283.1); short protein forms E1611G, E1579G, E1545G, E1549G, E1546G, E1548G.
Identifiers: ClinVar variation 484902 (VCV000484902.7), dbSNP rs1555796008, ClinGen allele CA404079693.